The following is an entry in ClinVar:

ClinVar aggregate classification (germline): Uncertain significance (1 of 4 stars; one submission).

Conditions:
Immunodeficiency 104. Also called: Severe Combined Immune Deficiency, Autosomal Recessive, TCell -Negative, B Cell-Positive, NK Cell-Positive, IL7R-Related; IMMUNODEFICIENCY 104, SEVERE COMBINED; SCID, AUTOSOMAL RECESSIVE, T CELL-NEGATIVE, B CELL-POSITIVE, NK CELL-POSITIVE; Severe combined immunodeficiency, autosomal recessive, T cell-negative, B cell-positive, NK cell-positive. Identifiers: MedGen C5676890, MONDO:0012163, OMIM 608971.

gnomAD v4.1: 1 of 1,614,198 alleles (0.000062%); highest among the groups gnomAD compares: Non-Finnish European, 0.000085%; no homozygotes.

Submission:

Labcorp Genetics (formerly Invitae), Labcorp
Classification: Uncertain significance for Immunodeficiency 104. Last evaluated: 2021-09-17. Review status: criteria provided, single submitter. Criteria: Invitae Variant Classification Sherloc (09022015). Collection method: clinical testing. Allele origin: germline.
Comment: In summary, the available evidence is currently insufficient to determine the role of this variant in disease. Therefore, it has been classified as a Variant of Uncertain Significance. Algorithms developed to predict the effect of missense changes on protein structure and function output the following: SIFT: "Tolerated"; PolyPhen-2: "Benign"; Align-GVGD: "Class C0". The leucine amino acid residue is found in multiple mammalian species, which suggests that this missense change does not adversely affect protein function. This variant has not been reported in the literature in individuals affected with PTPRC-related conditions. This variant is not present in population databases (ExAC no frequency). This sequence change replaces phenylalanine with leucine at codon 127 of the PTPRC protein (p.Phe127Leu). The phenylalanine residue is weakly conserved and there is a small physicochemical difference between phenylalanine and leucine.

NM_002838.5(PTPRC):c.381C>G (p.Phe127Leu)

Gene: PTPRC (protein tyrosine phosphatase receptor type C; plus strand). Cytogenetic location: 1q31.3.
Variant type: single nucleotide variant.
Coding change: c.381C>G on transcript NM_002838.5 (MANE Select); coding-DNA position 381, C replaced by G.
Protein change: p.Phe127Leu; replaces phenylalanine 127 with leucine.
Molecular consequence: missense variant. On other transcripts: intron variant (1).
Genome position (GRCh38, 1-based): chr1:198,699,646, C>G. VCF-style: chr1-198699646-C-G. GRCh37 (hg19) VCF-style: chr1-198668775-C-G.
Other names: c.101-3652C>G (NM_080921.4); short protein forms F127L.
Identifiers: ClinVar variation 1519778 (VCV001519778.6), dbSNP rs2102393632, ClinGen allele CA344097277.
Genomic context (GRCh38, chr1:198,699,646, plus strand): 5'-TCACCTTCCCACGCACGCAGACTCGCAGACGCCCTCTGCTGGAACTGACACGCAGACATT[C>G]AGCGGCTCCGCCGCCAATGCAAAACTCAACCCTACCCCAGGCAGCAATGCTATCTCAGGT-3'
Protein context (NP_002829.3, residues 117-137): TPSAGTDTQT[Phe127Leu]SGSAANAKLN